The following is an entry in ClinVar:

ClinVar aggregate classification (germline): Likely pathogenic (1 of 4 stars; one submission).

Conditions:
Mucopolysaccharidosis, MPS-IV-A (MPS4A). Also called: Mucopolysaccharidosis type IV A; Mucopolysaccharidosis Type IVA; Morquio syndrome A, mild; MORQUIO SYNDROME A; MPS IVA; mucopolysaccharidosis type 4A. Identifiers: Orphanet 309297, Orphanet 582, MedGen C0086651, MONDO:0009659, OMIM 253000.

Submission:

Laboratory of Diagnosis and Therapy of Lysosomal Disorders, University of Padova
Classification: Likely pathogenic for Mucopolysaccharidosis, MPS-IV-A. Last evaluated: 2021-02-01. Review status: criteria provided, single submitter. Criteria: ACMG Guidelines, 2015. Collection method: curation. Allele origin: germline. Affected: yes.
Comment: Frameshift variant (PVS1_very strong); absent from gnomAD v2.1.1 (PM2_moderate)

Literature cited by the submitters: PubMed 22976768; PubMed 34387910.

NM_000512.5(GALNS):c.951dup (p.Met318fs)

Gene: GALNS (galactosamine (N-acetyl)-6-sulfatase; minus strand). Cytogenetic location: 16q24.3.
Variant type: Duplication.
Coding change: c.951dup on transcript NM_000512.5 (MANE Select); coding-DNA position 951, one base duplicated (G; older notation c.951dupG).
Protein change: p.Met318fs; shifts the reading frame from methionine 318.
Molecular consequence: frameshift variant.
Genome position (GRCh38, 1-based): chr16:88,832,049, C duplicated on the plus strand (G on the coding strand, the reverse complement: GALNS is on the minus strand); the first of 3 consecutive C bases (chr16:88,832,049-88,832,051); duplicating any one gives the same sequence. VCF-style (leftmost placement, unchanged base first): chr16-88832048-T-TC. GRCh37 (hg19) VCF-style: chr16-88898456-T-TC.
Other names: c.396dup, p.Met133fs (NM_001323543.2); c.969dup, p.Met324fs (NM_001323544.2); short protein forms M133fs, M318fs, M324fs.
Identifiers: ClinVar variation 1048312 (VCV001048312.3), dbSNP rs2142999166, ClinGen allele CA915941062.